The following is an entry in ClinVar:

NM_016247.4(IMPG2):c.2533A>G (p.Ile845Val)

Gene: IMPG2 (interphotoreceptor matrix proteoglycan 2; minus strand). Cytogenetic location: 3q12.3.
Variant type: single nucleotide variant.
Coding change: c.2533A>G on transcript NM_016247.4 (MANE Select); coding-DNA position 2533, A replaced by G.
Protein change: p.Ile845Val; replaces isoleucine 845 with valine.
Molecular consequence: missense variant.
Genome position (GRCh38, 1-based): chr3:101,243,798, T>C on the plus strand (A>G on the coding strand, the complement: IMPG2 is on the minus strand). VCF-style: chr3-101243798-T-C. GRCh37 (hg19) VCF-style: chr3-100962642-T-C.
Other names: short protein forms I845V.
Identifiers: ClinVar variation 1474558 (VCV001474558.6), dbSNP rs2107219399, ClinGen allele CA353856801.

ClinVar aggregate classification (germline): Uncertain significance (1 of 4 stars; one submission).

Submission:

Labcorp Genetics (formerly Invitae), Labcorp
Classification: Uncertain significance. Last evaluated: 2022-07-01. Review status: criteria provided, single submitter. Criteria: Invitae Variant Classification Sherloc (09022015). Collection method: clinical testing. Allele origin: germline.
Comment: This sequence change replaces isoleucine, which is neutral and non-polar, with valine, which is neutral and non-polar, at codon 845 of the IMPG2 protein (p.Ile845Val). This variant is not present in population databases (gnomAD no frequency). In summary, the available evidence is currently insufficient to determine the role of this variant in disease. Therefore, it has been classified as a Variant of Uncertain Significance. Algorithms developed to predict the effect of sequence changes on RNA splicing suggest that this variant may create or strengthen a splice site. Algorithms developed to predict the effect of missense changes on protein structure and function output the following: SIFT: "Tolerated"; PolyPhen-2: "Benign"; Align-GVGD: "Class C0". The valine amino acid residue is found in multiple mammalian species, which suggests that this missense change does not adversely affect protein function. ClinVar contains an entry for this variant (Variation ID: 1474558). This variant has not been reported in the literature in individuals affected with IMPG2-related conditions.